The following is an entry in ClinVar:

ClinVar aggregate classification (germline): Benign (1 of 4 stars; one submission).

Allele frequency attached by ClinVar (database versions not stated): gnomAD 0.17939 and 0.18613; TOPMed 0.19898; 1000 Genomes Project 30x 0.22033; 1000 Genomes Project 0.22264.
gnomAD v4.1: 28,289 of 152,188 alleles (19%); highest among the groups gnomAD compares: Middle Eastern, 35%; 3,115 homozygotes.

Submission:

GeneDx
Classification: Benign. Last evaluated: 2018-06-14. Review status: criteria provided, single submitter. Criteria: GeneDx Variant Classification (06012015). Collection method: clinical testing. Allele origin: germline. Affected: yes.
Comment: This variant is considered likely benign or benign based on one or more of the following criteria: it is a conservative change, it occurs at a poorly conserved position in the protein, it is predicted to be benign by multiple in silico algorithms, and/or has population frequency not consistent with disease.

NM_014846.4(WASHC5):c.2851-348A>G

Gene: WASHC5 (WASH complex subunit 5; minus strand). Cytogenetic location: 8q24.13.
Variant type: single nucleotide variant.
Coding change: c.2851-348A>G on transcript NM_014846.4 (MANE Select); 348 bases into the intron before coding-DNA position 2851, A replaced by G.
Molecular consequence: intron variant.
Genome position (GRCh38, 1-based): chr8:125,040,246, T>C on the plus strand (A>G on the coding strand, the complement: WASHC5 is on the minus strand). VCF-style: chr8-125040246-T-C. GRCh37 (hg19) VCF-style: chr8-126052488-T-C.
Other names: c.2407-348A>G (NM_001330609.2).
Identifiers: ClinVar variation 671065 (VCV000671065.1), dbSNP rs1019705, ClinGen allele CA15544006.